The following is an entry in ClinVar:

ClinVar aggregate classification (germline): Benign. Review status: criteria provided, multiple submitters, no conflicts (2 of 4 stars). 2 submissions from 2 submitters: Benign (2). Last evaluated 2018-01-13.

Conditions:
Exudative vitreoretinopathy 1 (EVR1). Also called: CRISWICK-SCHEPENS SYNDROME; FEVR, AUTOSOMAL DOMINANT; Familial exudative vitreoretinopathy, autosomal dominant. Identifiers: Orphanet 891, Orphanet 90050, MedGen C1851402, MONDO:0007589, OMIM 133780.

Allele frequency attached by ClinVar (database versions not stated): gnomAD exomes 0.62028; gnomAD 0.70241 and 0.70569; 1000 Genomes Project 0.70367; 1000 Genomes Project 30x 0.70706; TOPMed 0.71510.
gnomAD v4.1: 107,249 of 152,584 alleles (70%); highest among the groups gnomAD compares: Middle Eastern, 79%; 37,936 homozygotes.

Submissions (2):

Illumina Laboratory Services, Illumina
Classification: Benign for Exudative vitreoretinopathy 1. Last evaluated: 2018-01-13. Review status: criteria provided, single submitter. Criteria: ICSL Variant Classification Criteria 13 December 2019. Collection method: clinical testing. Allele origin: germline.
Comment: This variant was observed in the ICSL laboratory as part of a predisposition screen in an ostensibly healthy population. It had not been previously curated by ICSL or reported in the Human Gene Mutation Database (HGMD: prior to June 1st, 2018), and was therefore a candidate for classification through an automated scoring system. Utilizing variant allele frequency, disease prevalence and penetrance estimates, and inheritance mode, an automated score was calculated to assess if this variant is too frequent to cause the disease. Based on the score and internal cut-off values, a variant classified as benign is not then subjected to further curation. The score for this variant resulted in a classification of benign for this disease.

Breakthrough Genomics
Classification: Benign. Review status: criteria provided, single submitter. Criteria: ACMG Guidelines, 2015. Collection method: not provided. Allele origin: germline. Inheritance: Autosomal dominant inheritance. Affected: yes.

NM_012193.4(FZD4):c.*1298C>T

Genes: FZD4 (frizzled class receptor 4; minus strand), PRSS23 (serine protease 23; plus strand). Cytogenetic location: 11q14.2.
Variant type: single nucleotide variant.
Coding change: c.*1298C>T on transcript NM_012193.4 (MANE Select); 1298 bases downstream of the stop codon, C replaced by T.
Molecular consequence: 3 prime UTR variant.
Genome position (GRCh38, 1-based): chr11:86,949,844, G>A on the plus strand (C>T on the coding strand, the complement: FZD4 is on the minus strand). VCF-style: chr11-86949844-G-A. GRCh37 (hg19) VCF-style: chr11-86660886-G-A.
Identifiers: ClinVar variation 306385 (VCV000306385.6), dbSNP rs3802892, ClinGen allele CA10631704.